The following is an entry in ClinVar:

ClinVar aggregate classification (germline): Conflicting classifications of pathogenicity. Review status: criteria provided, conflicting classifications (1 of 4 stars). 2 submissions from 2 submitters: Uncertain significance (1); Likely benign (1). Last evaluated 2022-09-01.

Conditions:
Inborn genetic diseases. Identifiers: MedGen C0950123, MeSH D030342.

Allele frequency attached by ClinVar (database versions not stated): ExAC 0.00004; gnomAD 0.00005 and 0.00007; gnomAD exomes 0.00005 and 0.00007; TOPMed 0.00008.
gnomAD v4.1: 74 of 1,613,590 alleles (0.0046%); highest among the groups gnomAD compares: Admixed American, 0.018%; no homozygotes.

Submissions (2):

Labcorp Genetics (formerly Invitae), Labcorp
Classification: Uncertain significance. Last evaluated: 2022-09-01. Review status: criteria provided, single submitter. Criteria: Invitae Variant Classification Sherloc (09022015). Collection method: clinical testing. Allele origin: germline.
Comment: This sequence change replaces valine, which is neutral and non-polar, with isoleucine, which is neutral and non-polar, at codon 593 of the COQ8A protein (p.Val593Ile). This variant is present in population databases (rs774142518, gnomAD 0.01%). This variant has not been reported in the literature in individuals affected with COQ8A-related conditions. ClinVar contains an entry for this variant (Variation ID: 1395885). Advanced modeling of protein sequence and biophysical properties (such as structural, functional, and spatial information, amino acid conservation, physicochemical variation, residue mobility, and thermodynamic stability) performed at Invitae indicates that this missense variant is not expected to disrupt COQ8A protein function. In summary, the available evidence is currently insufficient to determine the role of this variant in disease. Therefore, it has been classified as a Variant of Uncertain Significance.

Ambry Genetics
Classification: Likely benign for Inborn genetic diseases. Last evaluated: 2022-04-20. Review status: criteria provided, single submitter. Criteria: Ambry Variant Classification Scheme 2023. Collection method: clinical testing. Allele origin: germline.

NM_020247.5(COQ8A):c.1777G>A (p.Val593Ile)

Gene: COQ8A (coenzyme Q8A; plus strand). Cytogenetic location: 1q42.13.
Variant type: single nucleotide variant.
Coding change: c.1777G>A on transcript NM_020247.5 (MANE Select); coding-DNA position 1777, G replaced by A.
Protein change: p.Val593Ile; replaces valine 593 with isoleucine.
Molecular consequence: missense variant.
Genome position (GRCh38, 1-based): chr1:226,986,570, G>A. VCF-style: chr1-226986570-G-A. GRCh37 (hg19) VCF-style: chr1-227174271-G-A.
Other names: c.1777G>A (NM_020247.4); short protein forms V593I.
Identifiers: ClinVar variation 1395885 (VCV001395885.6), dbSNP rs774142518, ClinGen allele CA1425663.
Genomic context (GRCh38, chr1:226,986,570, plus strand): 5'-GATGAGCCTTTTGATTTTGGCACTCAGAGCACCACCGAGAAGATCCACAACCTGATTCCC[G>A]TCATGCTGAGGCACCGTCTCGTCCCCCCACCCGAGGAAACCTACTCCCTGCACAGGAAGA-3'
Protein context (NP_064632.2, residues 583-603): TTEKIHNLIP[Val593Ile]MLRHRLVPPP